The following is an entry in ClinVar:

NM_000445.5(PLEC):c.128G>T (p.Gly43Val)

Gene: PLEC (plectin; minus strand). Cytogenetic location: 8q24.3.
Variant type: single nucleotide variant.
Coding change: c.128G>T on transcript NM_000445.5; coding-DNA position 128, G replaced by T.
Protein change: p.Gly43Val; replaces glycine 43 with valine.
Molecular consequence: missense variant.
Genome position (GRCh38, 1-based): chr8:143,975,242, C>A on the plus strand (G>T on the coding strand, the complement: PLEC is on the minus strand). VCF-style: chr8-143975242-C-A. GRCh37 (hg19) VCF-style: chr8-145049410-C-A.
Other names: c.128G>T, p.Gly43Val (NM_001410941.1); short protein forms G43V.
Identifiers: ClinVar variation 451332 (VCV000451332.6), dbSNP rs781980239, ClinGen allele CA4929151.
Genomic context (GRCh38, chr8:143,975,242, plus strand): 5'-ATGCGAATGACCGCCCGCTCAGCTGGGTCCAGGACACTCCCGTTGCTCCCAGCGCCACCC[C>A]CGCTGCGCCGGCTCCGCTGCGTTTTCCCAAGGTTCCAGGGCAGTGTGTCCCCAGGGCTGG-3'

ClinVar aggregate classification (germline): Uncertain significance. Review status: criteria provided, multiple submitters, no conflicts (2 of 4 stars). 3 submissions from 3 submitters: Uncertain significance (3). Last evaluated 2025-06-15.

Conditions:
Epidermolysis bullosa simplex 5B, with muscular dystrophy (EBS5B). Also called: EPIDERMOLYSIS BULLOSA SIMPLEX AND LIMB-GIRDLE MUSCULAR DYSTROPHY; Epidermolysis bullosa simplex with muscular dystrophy. Identifiers: Orphanet 257, MedGen C2931072, MONDO:0009181, OMIM 226670.
Epidermolysis bullosa simplex with nail dystrophy (EBS5D). Identifiers: MedGen C4225309, MONDO:0014661, OMIM 616487.
Epidermolysis bullosa simplex, Ogna type (EBS5A). Also called: Pidermolysis bullosa simplex 5A, Ogna type; EPIDERMOLYSIS BULLOSA SIMPLEX 5A, OGNA TYPE. Identifiers: Orphanet 79401, MedGen C0432317, MONDO:0007555, OMIM 131950.
Epidermolysis bullosa simplex 5C, with pyloric atresia (EBS5C). Also called: PLEC-Related Epidermolysis Bullosa with Pyloric Atresia; Epidermolysis bullosa simplex with pyloric atresia; PLEC1-Related Epidermolysis Bullosa with Pyloric Atresia. Identifiers: Orphanet 158684, MedGen C2677349, MONDO:0012807, OMIM 612138.
Autosomal recessive limb-girdle muscular dystrophy type 2Q (LGMDR17). Also called: MUSCULAR DYSTROPHY, LIMB-GIRDLE, AUTOSOMAL RECESSIVE 17. Identifiers: Orphanet 254361, MedGen C3150989, MONDO:0013390, OMIM 613723.

Allele frequency attached by ClinVar (database versions not stated): TOPMed 0.00002.
gnomAD v4.1: 26 of 1,607,200 alleles (0.0016%); highest among the groups gnomAD compares: South Asian, 0.0044%; no homozygotes.

Submissions (3):

Labcorp Genetics (formerly Invitae), Labcorp
Classification: Uncertain significance for Autosomal recessive limb-girdle muscular dystrophy type 2Q; Epidermolysis bullosa simplex, Ogna type; Epidermolysis bullosa simplex with nail dystrophy; Epidermolysis bullosa simplex 5C, with pyloric atresia; Epidermolysis bullosa simplex 5B, with muscular dystrophy. Last evaluated: 2025-06-15. Review status: criteria provided, single submitter. Criteria: Invitae Variant Classification Sherloc (09022015). Collection method: clinical testing. Allele origin: germline.
Comment: This sequence change replaces glycine, which is neutral and non-polar, with valine, which is neutral and non-polar, at codon 43 of the PLEC protein (p.Gly43Val). This variant is present in population databases (rs781980239, gnomAD 0.01%). This variant has not been reported in the literature in individuals affected with PLEC-related conditions. ClinVar contains an entry for this variant (Variation ID: 451332). Experimental studies and prediction algorithms are not available or were not evaluated, and the functional significance of this variant is currently unknown. In summary, the available evidence is currently insufficient to determine the role of this variant in disease. Therefore, it has been classified as a Variant of Uncertain Significance.

Athena Diagnostics
Classification: Uncertain significance. Last evaluated: 2018-08-23. Review status: criteria provided, single submitter. Criteria: Athena Diagnostics Criteria. Collection method: clinical testing. Allele origin: germline.

GeneDx
Classification: Uncertain significance. Last evaluated: 2017-08-14. Review status: criteria provided, single submitter. Criteria: GeneDx Variant Classification (06012015). Collection method: clinical testing. Allele origin: germline. Affected: yes.
Comment: The G43V variant has not been published as a pathogenic variant, nor has it been reported as a benign variant to our knowledge. The G43V variant is observed in 2/16,474 (0.01%) alleles from individuals of South Asian background (Lek et al., 2016; 1000 Genomes Consortium et al., 2015; Exome Variant Server). This variant is a conservative amino acid substitution, which is not likely to impact secondary protein structure as these residues share similar properties. Additionally, in silico analysis predicts this variant likely does not alter the protein structure/function and most reported pathogenic variants in the PLEC gene are truncating/loss-of-function. However, this substitution occurs at a position that is conserved in mammals.